The following is an entry in ClinVar:

NM_001375524.1(TRRAP):c.10939-10T>C

Gene: TRRAP (transformation/transcription domain associated protein; plus strand). Cytogenetic location: 7q22.1.
Variant type: single nucleotide variant.
Coding change: c.10939-10T>C on transcript NM_001375524.1 (MANE Select); 10 bases into the intron before coding-DNA position 10939, T replaced by C.
Molecular consequence: intron variant.
Genome position (GRCh38, 1-based): chr7:99,011,042, T>C. VCF-style: chr7-99011042-T-C. GRCh37 (hg19) VCF-style: chr7-98608665-T-C.
Other names: c.10897-10T>C (NM_001244580.2); c.10810-10T>C (NM_003496.4).
Identifiers: ClinVar variation 4686921 (VCV004686921.2).
Genomic context (GRCh38, chr7:99,011,042, plus strand): 5'-TTTGAGAATTTTTCTTTTCCAAAAAAAATCAGTGAGTGAGATGGGAGTGTCACGGAGCGC[T>C]GTGTTTCAGGTCCTCCGCGACATCCTCAAGGAGGTTCAGAGTAACATGGTGCCGCGCAGC-3'

ClinVar aggregate classification (germline): Uncertain significance (1 of 4 stars; one submission).

Submission:

GeneDx
Classification: Uncertain significance. Last evaluated: 2026-03-12. Review status: criteria provided, single submitter. Criteria: GeneDx Variant Classification Process June 2021. Collection method: clinical testing. Allele origin: germline.
Comment: Not observed at significant frequency in large population cohorts (gnomAD); Has not been previously published as pathogenic or benign to our knowledge; In silico analysis suggests this variant may impact gene splicing. In the absence of RNA/functional studies, the actual effect of this sequence change is unknown.